The following is an entry in ClinVar:

ClinVar aggregate classification (germline): Conflicting classifications of pathogenicity. Review status: criteria provided, conflicting classifications (1 of 4 stars). 4 submissions from 4 submitters: Uncertain significance (1); Likely benign (3). Last evaluated 2025-12-28.

Conditions:
Autosomal recessive limb-girdle muscular dystrophy type 2J (LGMDR10). Also called: MUSCULAR DYSTROPHY, LIMB-GIRDLE, AUTOSOMAL RECESSIVE 10; Limb-girdle muscular dystrophy, type 2J. Identifiers: Orphanet 140922, MedGen C1837342, MONDO:0012127, OMIM 608807.
Dilated cardiomyopathy 1G (CMD1G). Identifiers: Orphanet 154, MedGen C1858763, MONDO:0011400, OMIM 604145.
TTN-related disorder. Also called: TTN-related condition; TTN-related disease; TTN-related disorders.

Allele frequency attached by ClinVar (database versions not stated): ExAC 0.00004; gnomAD 0.00010; TOPMed 0.00011; 1000 Genomes Project 30x 0.00016; 1000 Genomes Project 0.00020; ESP Exome Variant Server 0.00025; gnomAD exomes 0.00003.
gnomAD v4.1: 23 of 1,566,724 alleles (0.0015%); highest among the groups gnomAD compares: African/African-American, 0.027%; no homozygotes.

Submissions (4):

PreventionGenetics, part of Exact Sciences
Classification: Likely benign for TTN-related condition. Last evaluated: 2025-12-28. Review status: criteria provided, single submitter. Criteria: ACMG Guidelines, 2015. Collection method: clinical testing. Allele origin: germline.
Comment: This variant is classified as likely benign based on ACMG/AMP sequence variant interpretation guidelines (Richards et al. 2015 PMID: 25741868, with internal and published modifications).

Labcorp Genetics (formerly Invitae), Labcorp
Classification: Likely benign for Dilated cardiomyopathy 1G; Autosomal recessive limb-girdle muscular dystrophy type 2J. Last evaluated: 2025-10-24. Review status: criteria provided, single submitter. Criteria: Invitae Variant Classification Sherloc (09022015). Collection method: clinical testing. Allele origin: germline.

Molecular Diagnostic Laboratory for Inherited Cardiovascular Disease, Montreal Heart Institute
Classification: Likely benign. Last evaluated: 2025-04-09. Review status: criteria provided, single submitter. Criteria: ACMG Guidelines, 2015. Collection method: clinical testing. Allele origin: germline. Affected: no.

Eurofins Ntd Llc (ga)
Classification: Uncertain significance. Last evaluated: 2017-09-08. Review status: criteria provided, single submitter. Criteria: EGL Classification Definitions 2015. Collection method: clinical testing. Allele origin: germline. Observed: 3 variant alleles, 3 heterozygotes.

NM_001267550.2(TTN):c.22545C>G (p.Pro7515=)

Gene: TTN (titin; minus strand). Cytogenetic location: 2q31.2.
Variant type: single nucleotide variant.
Coding change: c.22545C>G on transcript NM_001267550.2 (MANE Select); coding-DNA position 22545, C replaced by G.
Protein change: p.Pro7515=; no amino-acid change (proline 7515 retained).
Molecular consequence: synonymous variant. On other transcripts: intron variant (3).
Genome position (GRCh38, 1-based): chr2:178,722,118, G>C on the plus strand (C>G on the coding strand, the complement: TTN is on the minus strand). VCF-style: chr2-178722118-G-C. GRCh37 (hg19) VCF-style: chr2-179586845-G-C.
Other names: c.21594C>G, p.Pro7198= (NM_001256850.1); c.18813C>G, p.Pro6271= (NM_133378.4); c.13282+15964C>G (NM_003319.4); c.13858+15964C>G (NM_133437.4); c.13657+15964C>G (NM_133432.3).
Identifiers: ClinVar variation 593969 (VCV000593969.17), dbSNP rs373496180, ClinGen allele CA2000810.